The following is an entry in ClinVar:

NM_152703.5(SAMD9L):c.3325G>C (p.Ala1109Pro)

Gene: SAMD9L (sterile alpha motif domain containing 9 like; minus strand). Cytogenetic location: 7q21.2.
Variant type: single nucleotide variant.
Coding change: c.3325G>C on transcript NM_152703.5 (MANE Select); coding-DNA position 3325, G replaced by C.
Protein change: p.Ala1109Pro; replaces alanine 1109 with proline.
Molecular consequence: missense variant.
Genome position (GRCh38, 1-based): chr7:93,132,647, C>G on the plus strand (G>C on the coding strand, the complement: SAMD9L is on the minus strand). VCF-style: chr7-93132647-C-G. GRCh37 (hg19) VCF-style: chr7-92761960-C-G.
Other names: c.3325G>C, p.Ala1109Pro (NM_001303496.3, NM_001303497.3, NM_001303498.3 and 5 more transcripts); c.3325G>C (NM_152703.2); short protein forms A1109P.
Identifiers: ClinVar variation 3020779 (VCV003020779.4), dbSNP rs765785470, ClinGen allele CA4343466.

ClinVar aggregate classification (germline): Uncertain significance. Review status: criteria provided, multiple submitters, no conflicts (2 of 4 stars). 2 submissions from 2 submitters: Uncertain significance (2). Last evaluated 2025-12-17.

Conditions:
Inborn genetic diseases. Identifiers: MedGen C0950123, MeSH D030342.

Allele frequency attached by ClinVar (database versions not stated): ExAC 0.00001.
gnomAD v4.1: 2 of 1,613,696 alleles (0.00012%); highest among the groups gnomAD compares: Admixed American, 0.0033%; no homozygotes.

Submissions (2):

Ambry Genetics
Classification: Uncertain significance for Inborn genetic diseases. Last evaluated: 2025-12-17. Review status: criteria provided, single submitter. Criteria: Ambry Variant Classification Scheme 2023. Collection method: clinical testing. Allele origin: germline.

Labcorp Genetics (formerly Invitae), Labcorp
Classification: Uncertain significance. Last evaluated: 2024-04-15. Review status: criteria provided, single submitter. Criteria: Invitae Variant Classification Sherloc (09022015). Collection method: clinical testing. Allele origin: germline.
Comment: This sequence change replaces alanine, which is neutral and non-polar, with proline, which is neutral and non-polar, at codon 1109 of the SAMD9L protein (p.Ala1109Pro). This variant is present in population databases (rs765785470, gnomAD 0.006%). This variant has not been reported in the literature in individuals affected with SAMD9L-related conditions. Advanced modeling of protein sequence and biophysical properties (such as structural, functional, and spatial information, amino acid conservation, physicochemical variation, residue mobility, and thermodynamic stability) performed at Invitae indicates that this missense variant is expected to disrupt SAMD9L protein function with a positive predictive value of 80%. In summary, the available evidence is currently insufficient to determine the role of this variant in disease. Therefore, it has been classified as a Variant of Uncertain Significance.